The following is an entry in ClinVar:

ClinVar aggregate classification (germline): Uncertain significance (1 of 4 stars; one submission).

Conditions:
Lymphoproliferative syndrome 2 (LPFS2). Also called: CD27 DEFICIENCY; Combined immunodeficiency due to CD27 deficiency. Identifiers: Orphanet 238505, MedGen C3554540, MONDO:0014054, OMIM 615122.

Submission:

Labcorp Genetics (formerly Invitae), Labcorp
Classification: Uncertain significance for Lymphoproliferative syndrome 2. Last evaluated: 2025-10-14. Review status: criteria provided, single submitter. Criteria: Invitae Variant Classification Sherloc (09022015). Collection method: clinical testing. Allele origin: germline.
Comment: This sequence change replaces cysteine, which is neutral and slightly polar, with arginine, which is basic and polar, at codon 10 of the CD27 protein (p.Cys10Arg). The frequency data for this variant in the population databases is considered unreliable, as metrics indicate poor data quality at this position in the gnomAD database. This variant has not been reported in the literature in individuals affected with CD27-related conditions. An algorithm developed to predict the effect of missense changes on protein structure and function (PolyPhen-2) suggests that this variant is likely to be disruptive. In summary, the available evidence is currently insufficient to determine the role of this variant in disease. Therefore, it has been classified as a Variant of Uncertain Significance.

NM_001242.5(CD27):c.28T>C (p.Cys10Arg)

Genes: CD27 (CD27 molecule; plus strand), CD27-AS1 (CD27 antisense RNA 1; minus strand). Cytogenetic location: 12p13.31.
Variant type: single nucleotide variant.
Coding change: c.28T>C on transcript NM_001242.5 (MANE Select); coding-DNA position 28, T replaced by C.
Protein change: p.Cys10Arg; replaces cysteine 10 with arginine.
Molecular consequence: missense variant. On other transcripts: non-coding transcript variant (4), intron variant (3).
Genome position (GRCh38, 1-based): chr12:6,445,123, T>C. VCF-style: chr12-6445123-T-C. GRCh37 (hg19) VCF-style: chr12-6554289-T-C.
Other names: c.28T>C, p.Cys10Arg (NM_001413263.1, NM_001413264.1, NM_001413265.1); c.-402-301T>C (NM_001413267.1); c.-314-301T>C (NM_001413266.1, NM_001413268.1); short protein forms C10R.
Identifiers: ClinVar variation 4763287 (VCV004763287.1).